The following is an entry in ClinVar:

ClinVar aggregate classification (germline): Benign. Review status: criteria provided, multiple submitters, no conflicts (2 of 4 stars). 3 submissions from 3 submitters: Benign (2). 1 of the submissions does not count toward it. Last evaluated 2026-02-02.

Conditions:
DSCAML1-related disorder. Also called: DSCAML1-related condition.

Allele frequency attached by ClinVar (database versions not stated): TOPMed 0.01952; gnomAD 0.02184 and 0.02390; ESP Exome Variant Server 0.02501; 1000 Genomes Project 30x 0.02826; 1000 Genomes Project 0.02895; gnomAD exomes 0.03294 and 0.03413; ExAC 0.03478.
gnomAD v4.1: 53,244 of 1,614,040 alleles (3.3%); highest among the groups gnomAD compares: South Asian, 9.2%; 1,253 homozygotes.

Submissions (3):

Labcorp Genetics (formerly Invitae), Labcorp
Classification: Benign. Last evaluated: 2026-02-02. Review status: criteria provided, single submitter. Criteria: Invitae Variant Classification Sherloc (09022015). Collection method: clinical testing. Allele origin: germline.

Breakthrough Genomics
Classification: Benign. Review status: criteria provided, single submitter. Criteria: ACMG Guidelines, 2015. Collection method: not provided. Allele origin: germline. Inheritance: Unknown mechanism. Affected: yes.

PreventionGenetics, part of Exact Sciences
Classification: Benign for DSCAML1-related condition. Last evaluated: 2019-10-17. Review status: no assertion criteria provided. Collection method: clinical testing. Allele origin: germline. Not counted in ClinVar's aggregate classification.
Comment: This variant is classified as benign based on ACMG/AMP sequence variant interpretation guidelines (Richards et al. 2015 PMID: 25741868, with internal and published modifications).

NM_020693.4(DSCAML1):c.2865A>G (p.Ala955=)

Gene: DSCAML1 (DS cell adhesion molecule like 1; minus strand). Cytogenetic location: 11q23.3.
Variant type: single nucleotide variant.
Coding change: c.2865A>G on transcript NM_020693.4 (MANE Select); coding-DNA position 2865, A replaced by G.
Protein change: p.Ala955=; no amino-acid change (alanine 955 retained).
Molecular consequence: synonymous variant.
Genome position (GRCh38, 1-based): chr11:117,471,957, T>C on the plus strand (A>G on the coding strand, the complement: DSCAML1 is on the minus strand). VCF-style: chr11-117471957-T-C. GRCh37 (hg19) VCF-style: chr11-117342672-T-C.
Other names: c.3045A>G (NM_020693.3).
Identifiers: ClinVar variation 1670633 (VCV001670633.11), dbSNP rs34573317, ClinGen allele CA6296862.